The following is an entry in ClinVar:

NM_017777.4(MKS1):c.632_633del (p.Gly211fs)

Gene: MKS1 (MKS transition zone complex subunit 1; minus strand). Cytogenetic location: 17q22.
Variant type: Deletion.
Coding change: c.632_633del on transcript NM_017777.4 (MANE Select); coding-DNA positions 632 to 633, 2 bases deleted (GG; older notation c.632_633delGG).
Protein change: p.Gly211fs; shifts the reading frame from glycine 211.
Molecular consequence: frameshift variant.
Genome position (GRCh38, 1-based): chr17:58,214,270-58,214,271, CC deleted on the plus strand (GG on the coding strand, the reverse complement: MKS1 is on the minus strand); deleting any 2 consecutive bases within chr17:58,214,270-58,214,273 gives the same sequence; the c. name uses the placement nearest the transcript's 3' end. VCF-style (leftmost placement, unchanged base first): chr17-58214269-GCC-G. GRCh37 (hg19) VCF-style: chr17-56291630-GCC-G.
Other names: c.23_24del, p.Gly8fs (NM_001321268.2); c.632_633del, p.Gly211fs (NM_001321269.2, NM_001330397.2); c.630_631delGG, p.Gly211Alafs (NM_001411113.1); short protein forms G211fs, G8fs.
Identifiers: ClinVar variation 1723973 (VCV001723973.3), dbSNP rs1567803107, ClinGen allele CA2580094280.

ClinVar aggregate classification (germline): Likely pathogenic (1 of 4 stars; one submission).

Conditions:
Ciliopathy. Also called: Ciliopathies. Identifiers: Orphanet 363250, MedGen C4277690, MONDO:0005308, MeSH D000072661.

Submission:

Myriad Genetics, Inc.
Classification: Likely pathogenic for Ciliopathy. Last evaluated: 2022-01-17. Review status: criteria provided, single submitter. Criteria: Myriad Autosomal Dominant, Autosomal Recessive and X-Linked Classification Criteria (2023). Collection method: clinical testing. Allele origin: unknown.
Comment: NM_017777.3(MKS1):c.632_633delGG(G211Afs*3) is expected to be pathogenic in the context of MKS1-related disorders. This variant is predicted to lead to an abnormal or absent protein product due to the creation of a premature termination codon in MKS1, a gene where loss-of-function variants are known to be pathogenic. Please note: this variant was assessed in the context of healthy population screening.